The following is an entry in ClinVar:

NM_001197104.2(KMT2A):c.1781C>T (p.Ser594Leu)

Gene: KMT2A (lysine methyltransferase 2A; plus strand). Cytogenetic location: 11q23.3.
Variant type: single nucleotide variant.
Coding change: c.1781C>T on transcript NM_001197104.2 (MANE Select); coding-DNA position 1781, C replaced by T.
Protein change: p.Ser594Leu; replaces serine 594 with leucine.
Molecular consequence: missense variant.
Genome position (GRCh38, 1-based): chr11:118,472,940, C>T. VCF-style: chr11-118472940-C-T. GRCh37 (hg19) VCF-style: chr11-118343655-C-T.
Other names: c.1880C>T, p.Ser627Leu (NM_001412597.1); c.1781C>T, p.Ser594Leu (NM_005933.4); short protein forms S594L, S627L.
Identifiers: ClinVar variation 2016814 (VCV002016814.4), dbSNP rs2134264285, ClinGen allele CA382811015.

ClinVar aggregate classification (germline): Uncertain significance (1 of 4 stars; one submission).

Submission:

Labcorp Genetics (formerly Invitae), Labcorp
Classification: Uncertain significance. Last evaluated: 2022-11-22. Review status: criteria provided, single submitter. Criteria: Invitae Variant Classification Sherloc (09022015). Collection method: clinical testing. Allele origin: germline.
Comment: In summary, the available evidence is currently insufficient to determine the role of this variant in disease. Therefore, it has been classified as a Variant of Uncertain Significance. Advanced modeling of protein sequence and biophysical properties (such as structural, functional, and spatial information, amino acid conservation, physicochemical variation, residue mobility, and thermodynamic stability) has been performed at Invitae for this missense variant, however the output from this modeling did not meet the statistical confidence thresholds required to predict the impact of this variant on KMT2A protein function. This variant has not been reported in the literature in individuals affected with KMT2A-related conditions. This variant is not present in population databases (gnomAD no frequency). This sequence change replaces serine, which is neutral and polar, with leucine, which is neutral and non-polar, at codon 594 of the KMT2A protein (p.Ser594Leu).